The following is an entry in ClinVar:

NM_177438.3(DICER1):c.3793A>G (p.Thr1265Ala)

Gene: DICER1 (dicer 1, ribonuclease III; minus strand). Cytogenetic location: 14q32.13.
Variant type: single nucleotide variant.
Coding change: c.3793A>G on transcript NM_177438.3 (MANE Select); coding-DNA position 3793, A replaced by G.
Protein change: p.Thr1265Ala; replaces threonine 1265 with alanine.
Molecular consequence: missense variant. On other transcripts: non-coding transcript variant (6).
Genome position (GRCh38, 1-based): chr14:95,103,603, T>C on the plus strand (A>G on the coding strand, the complement: DICER1 is on the minus strand). VCF-style: chr14-95103603-T-C. GRCh37 (hg19) VCF-style: chr14-95569940-T-C.
Other names: c.3793A>G, p.Thr1265Ala (NM_001195573.1, NM_001271282.3, NM_001291628.2 and 13 more transcripts); c.3511A>G, p.Thr1171Ala (NM_001395686.1); c.3388A>G, p.Thr1130Ala (NM_001395687.1, NM_001395688.1, NM_001395689.1 and 2 more transcripts); c.3226A>G, p.Thr1076Ala (NM_001395691.1); c.2110A>G, p.Thr704Ala (NM_001395697.1); short protein forms T1171A, T1076A, T1130A, T1265A, T704A.
Identifiers: ClinVar variation 2900180 (VCV002900180.4), dbSNP rs2542696224, ClinGen allele CA390873446.

ClinVar aggregate classification (germline): Uncertain significance. Review status: criteria provided, multiple submitters, no conflicts (2 of 4 stars). 2 submissions from 2 submitters: Uncertain significance (2). Last evaluated 2025-10-17.

Conditions:
DICER1-related tumor predisposition. Also called: DICER1-related pleuropulmonary blastoma cancer predisposition syndrome; DICER1 syndrome. Identifiers: Orphanet 284343, MedGen C3839822, MONDO:0100216.
Hereditary cancer-predisposing syndrome. Also called: Hereditary Cancer Syndrome; Tumor predisposition; Neoplastic Syndromes, Hereditary; Hereditary neoplastic syndrome. Identifiers: Orphanet 140162, MedGen C0027672, MeSH D009386, MONDO:0015356.

Submissions (2):

Ambry Genetics
Classification: Uncertain significance for Hereditary cancer-predisposing syndrome. Last evaluated: 2025-10-17. Review status: criteria provided, single submitter. Criteria: Ambry Variant Classification Scheme 2023. Collection method: clinical testing. Allele origin: germline.
Comment: The p.T1265A variant (also known as c.3793A>G), located in coding exon 20 of the DICER1 gene, results from an A to G substitution at nucleotide position 3793. The threonine at codon 1265 is replaced by alanine, an amino acid with similar properties. This amino acid position is conserved. In addition, this alteration is predicted to be tolerated by in silico analysis. Based on the available evidence, the clinical significance of this variant remains unclear.

Labcorp Genetics (formerly Invitae), Labcorp
Classification: Uncertain significance for DICER1-related tumor predisposition. Last evaluated: 2022-11-17. Review status: criteria provided, single submitter. Criteria: Invitae Variant Classification Sherloc (09022015). Collection method: clinical testing. Allele origin: germline.
Comment: This variant is not present in population databases (gnomAD no frequency). This sequence change replaces threonine, which is neutral and polar, with alanine, which is neutral and non-polar, at codon 1265 of the DICER1 protein (p.Thr1265Ala). In summary, the available evidence is currently insufficient to determine the role of this variant in disease. Therefore, it has been classified as a Variant of Uncertain Significance. Algorithms developed to predict the effect of missense changes on protein structure and function output the following: SIFT: "Tolerated"; PolyPhen-2: "Benign"; Align-GVGD: "Class C0". The alanine amino acid residue is found in multiple mammalian species, which suggests that this missense change does not adversely affect protein function. This variant has not been reported in the literature in individuals affected with DICER1-related conditions.